The following is an entry in ClinVar:

ClinVar aggregate classification (germline): Uncertain significance (1 of 4 stars; one submission).

Allele frequency attached by ClinVar (database versions not stated): TOPMed below 0.00001.

Submission:

Labcorp Genetics (formerly Invitae), Labcorp
Classification: Uncertain significance. Last evaluated: 2024-04-10. Review status: criteria provided, single submitter. Criteria: Invitae Variant Classification Sherloc (09022015). Collection method: clinical testing. Allele origin: germline.
Comment: This sequence change replaces glutamine, which is neutral and polar, with leucine, which is neutral and non-polar, at codon 408 of the DISP1 protein (p.Gln408Leu). This variant is not present in population databases (gnomAD no frequency). This variant has not been reported in the literature in individuals affected with DISP1-related conditions. An algorithm developed to predict the effect of missense changes on protein structure and function (PolyPhen-2) suggests that this variant is likely to be disruptive. In summary, the available evidence is currently insufficient to determine the role of this variant in disease. Therefore, it has been classified as a Variant of Uncertain Significance.

NM_001377229.1(DISP1):c.1223A>T (p.Gln408Leu)

Gene: DISP1 (dispatched RND transporter family member 1; plus strand). Cytogenetic location: 1q41.
Variant type: single nucleotide variant.
Coding change: c.1223A>T on transcript NM_001377229.1 (MANE Select); coding-DNA position 1223, A replaced by T.
Protein change: p.Gln408Leu; replaces glutamine 408 with leucine.
Molecular consequence: missense variant.
Genome position (GRCh38, 1-based): chr1:223,002,620, A>T. VCF-style: chr1-223002620-A-T. GRCh37 (hg19) VCF-style: chr1-223175962-A-T.
Other names: c.1223A>T, p.Gln408Leu (NM_032890.5, NM_001369594.1, NM_001377228.1); c.494A>T, p.Gln165Leu (NM_001350630.2); short protein forms Q408L, Q165L.
Identifiers: ClinVar variation 2978452 (VCV002978452.3), dbSNP rs1679544270, ClinGen allele CA344678730.
Genomic context (GRCh38, chr1:223,002,620, plus strand): 5'-ACTACCAAAATGGCACTCTGGGGCCAGACTGCTGGGACATGGCAGCCAGAAGAAAGGACC[A>T]GCTCAAGTGCACCAATGTGCCACGCAAATGTACCAAGTACAATGCTGTGTACCAGATCCT-3'
Protein context (NP_001364158.1, residues 398-418): CWDMAARRKD[Gln408Leu]LKCTNVPRKC